The following is an entry in ClinVar:

NM_000059.4(BRCA2):c.6899A>G (p.Gln2300Arg)

Gene: BRCA2 (BRCA2 DNA repair associated; plus strand). Cytogenetic location: 13q13.1.
Variant type: single nucleotide variant.
Coding change: c.6899A>G on transcript NM_000059.4 (MANE Select); coding-DNA position 6899, A replaced by G.
Protein change: p.Gln2300Arg; replaces glutamine 2300 with arginine.
Molecular consequence: missense variant. On other transcripts: non-coding transcript variant (1), intron variant (1).
Genome position (GRCh38, 1-based): chr13:32,344,615, A>G. VCF-style: chr13-32344615-A-G. GRCh37 (hg19) VCF-style: chr13-32918752-A-G.
Other names: c.6899A>G, p.Gln2300Arg (NM_001406720.1, NM_001432077.1); c.1967A>G, p.Gln656Arg (NM_001406721.1); c.482A>G, p.Gln161Arg (NM_001406722.1); c.6842-2212A>G (NM_001406719.1); short protein forms Q161R, Q2300R, Q656R.
Identifiers: ClinVar variation 4867777 (VCV004867777.1).
Genomic context (GRCh38, chr13:32,344,615, plus strand): 5'-TAGGAGAACCCTCAATCAAAAGAAACTTATTAAATGAATTTGACAGGATAATAGAAAATC[A>G]AGAAAAATCCTTAAAGGCTTCAAAAAGCACTCCAGATGGTAAAATTAGCTTTTTATTTAT-3'
Protein context (NP_000050.3, residues 2290-2310): LNEFDRIIEN[Gln2300Arg]EKSLKASKST

ClinVar aggregate classification (germline): Uncertain significance (1 of 4 stars; one submission).

Conditions:
Hereditary cancer-predisposing syndrome. Also called: Neoplastic Syndromes, Hereditary; Tumor predisposition; Hereditary Cancer Syndrome; Hereditary neoplastic syndrome. Identifiers: Orphanet 140162, MedGen C0027672, MeSH D009386, MONDO:0015356.

Submission:

Ambry Genetics
Classification: Uncertain significance for Hereditary cancer-predisposing syndrome. Last evaluated: 2026-03-19. Review status: criteria provided, single submitter. Criteria: Ambry Variant Classification Scheme 2023. Collection method: clinical testing. Allele origin: germline.
Comment: The p.Q2300R variant (also known as c.6899A>G), located in coding exon 11 of the BRCA2 gene, results from an A to G substitution at nucleotide position 6899. The glutamine at codon 2300 is replaced by arginine, an amino acid with highly similar properties. This amino acid position is not well conserved in available vertebrate species. In addition, the in silico prediction for this alteration is inconclusive. Based on the available evidence, the clinical significance of this variant remains unclear.